The following is an entry in ClinVar:

NM_021098.3(CACNA1H):c.1605C>A (p.Ser535Arg)

Gene: CACNA1H (calcium voltage-gated channel subunit alpha1 H; plus strand). Cytogenetic location: 16p13.3.
Variant type: single nucleotide variant.
Coding change: c.1605C>A on transcript NM_021098.3 (MANE Select); coding-DNA position 1605, C replaced by A.
Protein change: p.Ser535Arg; replaces serine 535 with arginine.
Molecular consequence: missense variant.
Genome position (GRCh38, 1-based): chr16:1,202,055, C>A. VCF-style: chr16-1202055-C-A. GRCh37 (hg19) VCF-style: chr16-1252055-C-A.
Other names: c.1605C>A, p.Ser535Arg (NM_001005407.2); short protein forms S535R.
Identifiers: ClinVar variation 4783521 (VCV004783521.1).

ClinVar aggregate classification (germline): Uncertain significance (1 of 4 stars; one submission).

Conditions:
Idiopathic generalized epilepsy. Also called: EIG; Generalised epilepsy. Identifiers: MedGen C0270850, MONDO:0005579, OMIM 600669.
Hyperaldosteronism, familial, type IV (HALD4). Also called: FH IV; ALDOSTERONISM, PRIMARY, AND HYPERTENSION. Identifiers: Orphanet 642671, MedGen C4310756, MONDO:0014875, OMIM 617027.

Submission:

Labcorp Genetics (formerly Invitae), Labcorp
Classification: Uncertain significance for Idiopathic generalized epilepsy; Hyperaldosteronism, familial, type IV. Last evaluated: 2025-03-16. Review status: criteria provided, single submitter. Criteria: Invitae Variant Classification Sherloc (09022015). Collection method: clinical testing. Allele origin: germline.
Comment: This sequence change replaces serine, which is neutral and polar, with arginine, which is basic and polar, at codon 535 of the CACNA1H protein (p.Ser535Arg). This variant is not present in population databases (gnomAD no frequency). This variant has not been reported in the literature in individuals affected with CACNA1H-related conditions. Invitae Evidence Modeling of protein sequence and biophysical properties (such as structural, functional, and spatial information, amino acid conservation, physicochemical variation, residue mobility, and thermodynamic stability) indicates that this missense variant is not expected to disrupt CACNA1H protein function with a negative predictive value of 80%. In summary, the available evidence is currently insufficient to determine the role of this variant in disease. Therefore, it has been classified as a Variant of Uncertain Significance.